The following is an entry in ClinVar:

NM_133372.3(FNIP1):c.1243_1250del (p.Glu415fs)

Gene: FNIP1 (folliculin interacting protein 1; minus strand). Cytogenetic location: 5q31.1.
Variant type: Deletion.
Coding change: c.1243_1250del on transcript NM_133372.3 (MANE Select); coding-DNA positions 1243 to 1250, 8 bases deleted (GAACCTGT; older notation c.1243_1250delGAACCTGT).
Protein change: p.Glu415fs; shifts the reading frame from glutamic acid 415.
Molecular consequence: frameshift variant.
Genome position (GRCh38, 1-based): chr5:131,679,128-131,679,135, ACAGGTTC deleted on the plus strand (GAACCTGT on the coding strand, the reverse complement: FNIP1 is on the minus strand). VCF-style (leftmost placement, unchanged base first): chr5-131679127-GACAGGTTC-G. GRCh37 (hg19) VCF-style: chr5-131014820-GACAGGTTC-G.
Other names: c.1159_1166del, p.Glu387fs (NM_001008738.3); c.1243_1250del, p.Glu415fs (NM_001346113.2); c.1108_1115del, p.Glu370fs (NM_001346114.2); short protein forms E370fs, E415fs, E387fs.
Identifiers: ClinVar variation 2114300 (VCV002114300.4), dbSNP rs2532139612, ClinGen allele CA2580072623.

ClinVar aggregate classification (germline): Pathogenic (1 of 4 stars; one submission).

Submission:

Labcorp Genetics (formerly Invitae), Labcorp
Classification: Pathogenic. Last evaluated: 2022-03-19. Review status: criteria provided, single submitter. Criteria: Invitae Variant Classification Sherloc (09022015). Collection method: clinical testing. Allele origin: germline.
Comment: This variant has not been reported in the literature in individuals affected with FNIP1-related conditions. This sequence change creates a premature translational stop signal (p.Glu415Leufs*83) in the FNIP1 gene. It is expected to result in an absent or disrupted protein product. Loss-of-function variants in FNIP1 are known to be pathogenic (PMID: 32181500, 32905580). This variant is not present in population databases (gnomAD no frequency). For these reasons, this variant has been classified as Pathogenic.

Literature cited by the submitters: PubMed 32181500; PubMed 32905580.